The following is an entry in ClinVar:

ClinVar aggregate classification (germline): Uncertain significance (1 of 4 stars; one submission).

Submission:

Labcorp Genetics (formerly Invitae), Labcorp
Classification: Uncertain significance. Last evaluated: 2022-06-07. Review status: criteria provided, single submitter. Criteria: Invitae Variant Classification Sherloc (09022015). Collection method: clinical testing. Allele origin: germline.
Comment: This sequence change replaces serine, which is neutral and polar, with threonine, which is neutral and polar, at codon 11 of the PLAA protein (p.Ser11Thr). Information on the frequency of this variant in the gnomAD database is not available, as this variant may be reported differently in the database. This variant has not been reported in the literature in individuals affected with PLAA-related conditions. Algorithms developed to predict the effect of missense changes on protein structure and function are either unavailable or do not agree on the potential impact of this missense change (SIFT: "Not Available"; PolyPhen-2: "Possibly Damaging"; Align-GVGD: "Not Available"). In summary, the available evidence is currently insufficient to determine the role of this variant in disease. Therefore, it has been classified as a Variant of Uncertain Significance.

NM_001031689.3(PLAA):c.32_33delinsCT (p.Ser11Thr)

Gene: PLAA (phospholipase A2 activating protein; minus strand). Cytogenetic location: 9p21.2.
Variant type: Indel.
Coding change: c.32_33delinsCT on transcript NM_001031689.3 (MANE Select); coding-DNA positions 32 to 33, GC replaced by CT.
Protein change: p.Ser11Thr; replaces serine 11 with threonine.
Molecular consequence: missense variant.
Genome position (GRCh38, 1-based): chr9:26,947,013-26,947,014, GC replaced by AG on the plus strand (GC replaced by CT on the coding strand, the reverse complement: PLAA is on the minus strand). VCF-style: chr9-26947013-GC-AG. GRCh37 (hg19) VCF-style: chr9-26947011-GC-AG.
Other names: c.32_33delinsCT, p.Ser11Thr (NM_001321546.2); short protein forms S11T.
Identifiers: ClinVar variation 2002585 (VCV002002585.4), dbSNP rs2489251441, ClinGen allele CA2580080555.